The following is an entry in ClinVar:

NM_001369268.1(ACAN):c.6890_6891del (p.Glu2297fs)

Gene: ACAN (aggrecan; plus strand). Cytogenetic location: 15q26.1.
Variant type: Microsatellite.
Coding change: c.6890_6891del on transcript NM_001369268.1 (MANE Select); coding-DNA positions 6890 to 6891, 2 bases deleted (AG; older notation c.6890_6891delAG).
Protein change: p.Glu2297fs; shifts the reading frame from glutamic acid 2297.
Molecular consequence: frameshift variant. On other transcripts: intron variant (3).
Genome position (GRCh38, 1-based): chr15:88,860,383-88,860,384, AG deleted; deleting any 2 consecutive bases within chr15:88,860,381-88,860,384 gives the same sequence; the c. name uses the placement nearest the transcript's 3' end. VCF-style (leftmost placement, unchanged base first): chr15-88860380-CAG-C. GRCh37 (hg19) VCF-style: chr15-89403611-CAG-C.
Other names: c.6890_6891del, p.Glu2297fs (NM_013227.4); c.6832+966_6832+967del (NM_001411097.1, NM_001411096.1, NM_001135.4); short protein forms E2297fs.
Identifiers: ClinVar variation 3813981 (VCV003813981.1).
Genomic context (GRCh38, chr15:88,860,380, plus strand): 5'-TTGCAGCCCCCGCCAGGTCCTGTGCAGAGGAGCCCTGTGGAGCTGGGACCTGCAAGGAGA[CAG>C]AGGGACACGTCATATGCCTGTGCCCCCCTGGCTACACTGGCGAGCACTGTAACATAGGTA-3'

ClinVar aggregate classification (germline): Pathogenic (1 of 4 stars; one submission).

Conditions:
Inborn genetic diseases. Identifiers: MedGen C0950123, MeSH D030342.

Submission:

Ambry Genetics
Classification: Pathogenic for Inborn genetic diseases. Last evaluated: 2025-02-13. Review status: criteria provided, single submitter. Criteria: Ambry Variant Classification Scheme 2023. Collection method: clinical testing. Allele origin: germline.
Comment: The c.6890_6891delAG (p.E2297Gfs*17) alteration, located in exon 13 (coding exon 12) of the ACAN gene, consists of a deletion of 2 nucleotides from position 6890 to 6891, causing a translational frameshift with a predicted alternate stop codon after 17 amino acids. This alteration is expected to result in loss of function by premature protein truncation or nonsense-mediated mRNA decay. This variant was not reported in population-based cohorts in the Genome Aggregation Database (gnomAD). Based on the available evidence, this alteration is classified as pathogenic.